The following is an entry in ClinVar:

NM_001163435.3(TBCK):c.551A>G (p.Lys184Arg)

Gene: TBCK (TBC1 domain containing kinase; minus strand). Cytogenetic location: 4q24.
Variant type: single nucleotide variant.
Coding change: c.551A>G on transcript NM_001163435.3 (MANE Select); coding-DNA position 551, A replaced by G.
Protein change: p.Lys184Arg; replaces lysine 184 with arginine.
Molecular consequence: missense variant. On other transcripts: intron variant (1).
Genome position (GRCh38, 1-based): chr4:106,251,912, T>C on the plus strand (A>G on the coding strand, the complement: TBCK is on the minus strand). VCF-style: chr4-106251912-T-C. GRCh37 (hg19) VCF-style: chr4-107173069-T-C.
Other names: c.551A>G, p.Lys184Arg (NM_001163436.4); c.35A>G, p.Lys12Arg (NM_001290768.2); c.362A>G, p.Lys121Arg (NM_033115.5); c.480+71A>G (NM_001163437.3); short protein forms K184R, K12R, K121R.
Identifiers: ClinVar variation 1422684 (VCV001422684.5), dbSNP rs772602911, ClinGen allele CA3035417.
Genomic context (GRCh38, chr4:106,251,912, plus strand): 5'-TTCTTTATACATACCACACAAAGCTCAAATAAAATGATTCCAAGAGACCATACATCTGAT[T>C]TGGGGCCAGAAGGCAATGGTTTTTTACTTGGCATGTGATCAGTGGTTTTGAAAATTCCCT-3'
Protein context (NP_001156907.2, residues 174-194): PSKKPLPSGP[Lys184Arg]SDVWSLGIIL

ClinVar aggregate classification (germline): Uncertain significance (1 of 4 stars; one submission).

gnomAD v4.1: 2 of 1,611,354 alleles (0.00012%); highest among the groups gnomAD compares: Non-Finnish European, 0.00017%; no homozygotes.

Submission:

Labcorp Genetics (formerly Invitae), Labcorp
Classification: Uncertain significance. Last evaluated: 2021-08-31. Review status: criteria provided, single submitter. Criteria: Invitae Variant Classification Sherloc (09022015). Collection method: clinical testing. Allele origin: germline.
Comment: This sequence change replaces lysine with arginine at codon 184 of the TBCK protein (p.Lys184Arg). The lysine residue is highly conserved and there is a small physicochemical difference between lysine and arginine. This variant is present in population databases (rs772602911, ExAC 0.002%). This variant has not been reported in the literature in individuals affected with TBCK-related conditions. Algorithms developed to predict the effect of missense changes on protein structure and function are either unavailable or do not agree on the potential impact of this missense change (SIFT: "Tolerated"; PolyPhen-2: "Possibly Damaging"; Align-GVGD: "Class C0"). Algorithms developed to predict the effect of sequence changes on RNA splicing suggest that this variant may create or strengthen a splice site. In summary, the available evidence is currently insufficient to determine the role of this variant in disease. Therefore, it has been classified as a Variant of Uncertain Significance.